The following is an entry in ClinVar:

ClinVar aggregate classification (germline): Likely benign (1 of 4 stars; one submission).

Allele frequency attached by ClinVar (database versions not stated): ExAC 0.00004; TOPMed 0.00004; gnomAD 0.00005; gnomAD exomes 0.00005; ESP Exome Variant Server 0.00015.
gnomAD v4.1: 78 of 1,614,002 alleles (0.0048%); highest among the groups gnomAD compares: Non-Finnish European, 0.0064%; no homozygotes.

Submission:

CeGaT Center for Human Genetics Tuebingen
Classification: Likely benign. Last evaluated: 2023-09-01. Review status: criteria provided, single submitter. Criteria: CeGaT Center For Human Genetics Tuebingen Variant Classification Criteria Version 2. Collection method: clinical testing. Allele origin: germline. Affected: yes. Observed: 1 variant allele.
Comment: SYNE2: BP4, BP7

NM_182914.3(SYNE2):c.20442A>G (p.Ala6814=)

Gene: SYNE2 (spectrin repeat containing nuclear envelope protein 2; plus strand). Cytogenetic location: 14q23.2.
Variant type: single nucleotide variant.
Coding change: c.20442A>G on transcript NM_182914.3 (MANE Select); coding-DNA position 20442, A replaced by G.
Protein change: p.Ala6814=; no amino-acid change (alanine 6814 retained).
Molecular consequence: synonymous variant.
Genome position (GRCh38, 1-based): chr14:64,224,520, A>G. VCF-style: chr14-64224520-A-G. GRCh37 (hg19) VCF-style: chr14-64691238-A-G.
Other names: c.20373A>G, p.Ala6791= (NM_015180.6); c.1008A>G, p.Ala336= (NM_182910.2); c.1386A>G, p.Ala462= (NM_182913.4).
Identifiers: ClinVar variation 2644313 (VCV002644313.24), dbSNP rs144252300, ClinGen allele CA7224864.
Genomic context (GRCh38, chr14:64,224,520, plus strand): 5'-GAACCCAGCCTCACCCCTGCCCAGCTTCGACGAGGTAGACTCGGGGGACCAGCCTCCTGC[A>G]ACATCCGTGCCAGCTCCCCGAGCAAAGGTAAGAAGCCCCTTCCTTCTGTGAGAACCTCAC-3'
Protein context (NP_878918.2, residues 6804-6824): DEVDSGDQPP[Ala6814=]TSVPAPRAKF